The following is an entry in ClinVar:

NM_001164508.2(NEB):c.2630A>T (p.Gln877Leu)

Gene: NEB (nebulin; minus strand). Cytogenetic location: 2q23.3.
Variant type: single nucleotide variant.
Coding change: c.2630A>T on transcript NM_001164508.2 (MANE Select); coding-DNA position 2630, A replaced by T.
Protein change: p.Gln877Leu; replaces glutamine 877 with leucine.
Molecular consequence: missense variant.
Genome position (GRCh38, 1-based): chr2:151,687,426, T>A on the plus strand (A>T on the coding strand, the complement: NEB is on the minus strand). VCF-style: chr2-151687426-T-A. GRCh37 (hg19) VCF-style: chr2-152543940-T-A.
Other names: c.2630A>T, p.Gln877Leu (NM_001164507.2, NM_001271208.2, NM_004543.5); short protein forms Q877L.
Identifiers: ClinVar variation 643627 (VCV000643627.7), dbSNP rs373892420, ClinGen allele CA348822528.

ClinVar aggregate classification (germline): Uncertain significance. Review status: criteria provided, single submitter (1 of 4 stars). 2 submissions from 2 submitters: Uncertain significance (1). 1 of the submissions does not count toward it. Last evaluated 2022-03-01.

Conditions:
Nemaline myopathy 2 (NEM2). Also called: Nemaline myopathy 2, autosomal recessive. Identifiers: MedGen C1850569, MONDO:0009725, OMIM 256030.

Allele frequency attached by ClinVar (database versions not stated): TOPMed 0.00001.
gnomAD v4.1: 12 of 1,611,698 alleles (0.00074%); highest among the groups gnomAD compares: Middle Eastern, 0.016%; no homozygotes.

Submissions (2):

Labcorp Genetics (formerly Invitae), Labcorp
Classification: Uncertain significance for Nemaline myopathy 2. Last evaluated: 2022-03-01. Review status: criteria provided, single submitter. Criteria: Invitae Variant Classification Sherloc (09022015). Collection method: clinical testing. Allele origin: germline.
Comment: This sequence change replaces glutamine, which is neutral and polar, with leucine, which is neutral and non-polar, at codon 877 of the NEB protein (p.Gln877Leu). This variant is present in population databases (no rsID available, gnomAD 0.0009%). This variant has not been reported in the literature in individuals affected with NEB-related conditions. ClinVar contains an entry for this variant (Variation ID: 643627). Algorithms developed to predict the effect of missense changes on protein structure and function are either unavailable or do not agree on the potential impact of this missense change (SIFT: "Deleterious"; PolyPhen-2: "Not Available"; Align-GVGD: "Class C0"). In summary, the available evidence is currently insufficient to determine the role of this variant in disease. Therefore, it has been classified as a Variant of Uncertain Significance.

Natera, Inc.
Classification: Uncertain significance for Nemaline myopathy type 2. Last evaluated: 2021-03-15. Review status: no assertion criteria provided. Collection method: clinical testing. Allele origin: germline. Not counted in ClinVar's aggregate classification.